The following is an entry in ClinVar:

NM_005709.4(USH1C):c.1282C>G (p.Gln428Glu)

Gene: USH1C (USH1 protein network component harmonin; minus strand). Cytogenetic location: 11p15.1.
Variant type: single nucleotide variant.
Coding change: c.1282C>G on transcript NM_005709.4 (MANE Plus Clinical); coding-DNA position 1282, C replaced by G.
Protein change: p.Gln428Glu; replaces glutamine 428 with glutamic acid.
Molecular consequence: missense variant. On other transcripts: intron variant (1).
Genome position (GRCh38, 1-based): chr11:17,517,403, G>C on the plus strand (C>G on the coding strand, the complement: USH1C is on the minus strand). VCF-style: chr11-17517403-G-C. GRCh37 (hg19) VCF-style: chr11-17538950-G-C.
Other names: c.1225C>G, p.Gln409Glu (NM_001297764.2); c.1211-1113C>G (NM_153676.4); short protein forms Q428E, Q409E.
Identifiers: ClinVar variation 2106870 (VCV002106870.4), dbSNP rs772148994, ClinGen allele CA379782236.

ClinVar aggregate classification (germline): Uncertain significance (1 of 4 stars; one submission).

gnomAD v4.1: 1 of 1,581,702 alleles (0.000063%); highest among the groups gnomAD compares: Non-Finnish European, 0.000086%; no homozygotes.

Submission:

Labcorp Genetics (formerly Invitae), Labcorp
Classification: Uncertain significance. Last evaluated: 2022-03-04. Review status: criteria provided, single submitter. Criteria: Invitae Variant Classification Sherloc (09022015). Collection method: clinical testing. Allele origin: germline.
Comment: Algorithms developed to predict the effect of sequence changes on RNA splicing suggest that this variant may disrupt the consensus splice site. This sequence change replaces glutamine, which is neutral and polar, with glutamic acid, which is acidic and polar, at codon 428 of the USH1C protein (p.Gln428Glu). This variant is not present in population databases (gnomAD no frequency). This variant has not been reported in the literature in individuals affected with USH1C-related conditions. Algorithms developed to predict the effect of missense changes on protein structure and function (SIFT, PolyPhen-2, Align-GVGD) all suggest that this variant is likely to be tolerated. In summary, the available evidence is currently insufficient to determine the role of this variant in disease. Therefore, it has been classified as a Variant of Uncertain Significance.